The following is an entry in ClinVar:

NM_033026.6(PCLO):c.8396C>A (p.Thr2799Lys)

Gene: PCLO (piccolo presynaptic cytomatrix protein; minus strand). Cytogenetic location: 7q21.11.
Variant type: single nucleotide variant.
Coding change: c.8396C>A on transcript NM_033026.6 (MANE Select); coding-DNA position 8396, C replaced by A.
Protein change: p.Thr2799Lys; replaces threonine 2799 with lysine.
Molecular consequence: missense variant.
Genome position (GRCh38, 1-based): chr7:82,952,557, G>T on the plus strand (C>A on the coding strand, the complement: PCLO is on the minus strand). VCF-style: chr7-82952557-G-T. GRCh37 (hg19) VCF-style: chr7-82581873-G-T.
Other names: c.8396C>A, p.Thr2799Lys (NM_014510.3); short protein forms T2799K.
Identifiers: ClinVar variation 2066728 (VCV002066728.4), dbSNP rs2535689644, ClinGen allele CA367911241.
Genomic context (GRCh38, chr7:82,952,557, plus strand): 5'-GCATGTTCTGCACCCACTAGGCTTTCTGTGCCTGTAGTGTAACTTGCACTAGCTGTGCAT[G>T]TGACAAAGGTCACTGTCTCAGTGGCCAGAGATACAGGAGTCACTATTGATGATGTCACAC-3'
Protein context (NP_149015.2, residues 2789-2809): SLATETVTFV[Thr2799Lys]CTASASYTTG

ClinVar aggregate classification (germline): Uncertain significance (1 of 4 stars; one submission).

Submission:

Labcorp Genetics (formerly Invitae), Labcorp
Classification: Uncertain significance. Last evaluated: 2024-01-22. Review status: criteria provided, single submitter. Criteria: Invitae Variant Classification Sherloc (09022015). Collection method: clinical testing. Allele origin: germline.
Comment: This sequence change replaces threonine, which is neutral and polar, with lysine, which is basic and polar, at codon 2799 of the PCLO protein (p.Thr2799Lys). This variant is not present in population databases (gnomAD no frequency). This variant has not been reported in the literature in individuals affected with PCLO-related conditions. ClinVar contains an entry for this variant (Variation ID: 2066728). Experimental studies and prediction algorithms are not available or were not evaluated, and the functional significance of this variant is currently unknown. In summary, the available evidence is currently insufficient to determine the role of this variant in disease. Therefore, it has been classified as a Variant of Uncertain Significance.